The following is an entry in ClinVar:

NM_018489.3(ASH1L):c.2468T>C (p.Ile823Thr)

Gene: ASH1L (ASH1 like histone lysine methyltransferase; minus strand). Cytogenetic location: 1q22.
Variant type: single nucleotide variant.
Coding change: c.2468T>C on transcript NM_018489.3 (MANE Select); coding-DNA position 2468, T replaced by C.
Protein change: p.Ile823Thr; replaces isoleucine 823 with threonine.
Molecular consequence: missense variant.
Genome position (GRCh38, 1-based): chr1:155,480,402, A>G on the plus strand (T>C on the coding strand, the complement: ASH1L is on the minus strand). VCF-style: chr1-155480402-A-G. GRCh37 (hg19) VCF-style: chr1-155450193-A-G.
Other names: c.2468T>C, p.Ile823Thr (NM_001366177.2); short protein forms I823T.
Identifiers: ClinVar variation 3242056 (VCV003242056.1), dbSNP rs2527178461.

ClinVar aggregate classification (germline): Uncertain significance (1 of 4 stars; one submission).

Conditions:
Intellectual developmental disorder, autosomal dominant 52. Also called: Intellectual disability, autosomal dominant 52; Mental retardation, autosomal dominant 52. Identifiers: MedGen C4540478, MONDO:0030918, OMIM 617796.

Submission:

Neuberg Centre For Genomic Medicine, NCGM
Classification: Uncertain significance for Intellectual developmental disorder, autosomal dominant 52. Review status: criteria provided, single submitter. Criteria: ACMG Guidelines, 2015. Collection method: clinical testing. Allele origin: germline. Inheritance: Autosomal dominant inheritance. Affected: yes.
Comment: The missense c.2468T>C (p.Ile823Thr) variant in ASH1L gene has not been reported previously as a pathogenic variant nor as a benign variant, to our knowledge. The p.Ile823Thr variant is novel (not in any individuals) in both gnomAD Exomes and 1000 Genomes databases. This variant has not been reported to the ClinVar database. The amino acid change p.Ile823Thr in ASH1L is predicted as conserved by GERP++ and PhyloP across 100 vertebrates. The amino acid Ile at position 823 is changed to a Thr changing protein sequence and it might alter its composition and physico-chemical properties. For these reasons, this variant has been classified as a Variant of Uncertain Significance (VUS).